The following is an entry in ClinVar:

ClinVar aggregate classification (germline): Uncertain significance. Review status: criteria provided, multiple submitters, no conflicts (2 of 4 stars). 3 submissions from 3 submitters: Uncertain significance (2). 1 of the submissions does not count toward it. Last evaluated 2025-08-26.

Conditions:
Inborn genetic diseases. Identifiers: MedGen C0950123, MeSH D030342.
Glycine encephalopathy. Also called: Non-ketotic hyperglycinemia; Nonketotic hyperglycinemia. Identifiers: Orphanet 407, MedGen C0751748, MONDO:0011612, HP:0008288.

Allele frequency attached by ClinVar (database versions not stated): ExAC 0.00001; TOPMed 0.00002.
gnomAD v4.1: 23 of 1,612,734 alleles (0.0014%); highest among the groups gnomAD compares: East Asian, 0.0045%; no homozygotes.

Submissions (3):

Ambry Genetics
Classification: Uncertain significance for Inborn genetic diseases. Last evaluated: 2025-08-26. Review status: criteria provided, single submitter. Criteria: Ambry Variant Classification Scheme 2023. Collection method: clinical testing. Allele origin: germline.

Labcorp Genetics (formerly Invitae), Labcorp
Classification: Uncertain significance for Glycine encephalopathy. Last evaluated: 2021-08-31. Review status: criteria provided, single submitter. Criteria: Invitae Variant Classification Sherloc (09022015). Collection method: clinical testing. Allele origin: germline.
Comment: This sequence change replaces proline with leucine at codon 778 of the GLDC protein (p.Pro778Leu). The proline residue is highly conserved and there is a moderate physicochemical difference between proline and leucine. This variant is present in population databases (rs754670348, ExAC 0.006%). This variant has not been reported in the literature in individuals affected with GLDC-related conditions. Algorithms developed to predict the effect of missense changes on protein structure and function are either unavailable or do not agree on the potential impact of this missense change (SIFT: "Deleterious"; PolyPhen-2: "Probably Damaging"; Align-GVGD: "Class C0"). In summary, the available evidence is currently insufficient to determine the role of this variant in disease. Therefore, it has been classified as a Variant of Uncertain Significance.

Natera, Inc.
Classification: Uncertain significance for Non-ketotic hyperglycinemia. Last evaluated: 2020-10-05. Review status: no assertion criteria provided. Collection method: clinical testing. Allele origin: germline. Not counted in ClinVar's aggregate classification.

NM_000170.3(GLDC):c.2333C>T (p.Pro778Leu)

Gene: GLDC (glycine decarboxylase; minus strand). Cytogenetic location: 9p24.1.
Variant type: single nucleotide variant.
Coding change: c.2333C>T on transcript NM_000170.3 (MANE Select); coding-DNA position 2333, C replaced by T.
Protein change: p.Pro778Leu; replaces proline 778 with leucine.
Molecular consequence: missense variant.
Genome position (GRCh38, 1-based): chr9:6,553,492, G>A on the plus strand (C>T on the coding strand, the complement: GLDC is on the minus strand). VCF-style: chr9-6553492-G-A. GRCh37 (hg19) VCF-style: chr9-6553492-G-A.
Other names: short protein forms P778L.
Identifiers: ClinVar variation 653297 (VCV000653297.7), dbSNP rs754670348, ClinGen allele CA4980258.